The following is an entry in ClinVar:

ClinVar aggregate classification (germline): Pathogenic (1 of 4 stars; one submission).

Conditions:
Hereditary cancer-predisposing syndrome. Also called: Tumor predisposition; Hereditary neoplastic syndrome; Neoplastic Syndromes, Hereditary; Hereditary Cancer Syndrome. Identifiers: Orphanet 140162, MedGen C0027672, MeSH D009386, MONDO:0015356.

Submission:

Ambry Genetics
Classification: Pathogenic for Hereditary cancer-predisposing syndrome. Last evaluated: 2025-06-09. Review status: criteria provided, single submitter. Criteria: Ambry Variant Classification Scheme 2023. Collection method: clinical testing. Allele origin: germline.
Comment: The c.9117+1G>C intronic variant results from a G to C substitution one nucleotide after coding exon 22 of the BRCA2 gene. Alterations that disrupt the canonical splice site are expected to cause aberrant splicing, resulting in an abnormal protein or a transcript that is subject to nonsense-mediated mRNA decay. This variant was not reported in population-based cohorts in the Genome Aggregation Database (gnomAD). This nucleotide position is highly conserved in available vertebrate species. Two saturation genome editing-based studies, including a haploid cell-survival assay and a humanized mouse embryonic stem cell line assay of drug response and survival, demonstrate that this nucleotide substitution is non-functional (Huang, 2025; Sahu, 2025). In silico splice site analysis predicts that this alteration will weaken the native splice donor site. Based on the available evidence, this alteration is classified as pathogenic.

Literature cited by the submitters: PubMed 39779848; PubMed 39779857.

NM_000059.4(BRCA2):c.9117+1G>C

Gene: BRCA2 (BRCA2 DNA repair associated; plus strand). Cytogenetic location: 13q13.1.
Variant type: single nucleotide variant.
Coding change: c.9117+1G>C on transcript NM_000059.4 (MANE Select); the canonical splice donor site of the intron after coding-DNA position 9117, G replaced by C.
Molecular consequence: splice donor variant.
Genome position (GRCh38, 1-based): chr13:32,379,914, G>C. VCF-style: chr13-32379914-G-C. GRCh37 (hg19) VCF-style: chr13-32954051-G-C.
Other names: c.9117+1G>C (NM_001432077.1); c.9066+1G>C (NM_001406720.1); c.9021+1G>C (NM_001406719.1); c.4185+1G>C (NM_001406721.1); c.2700+1G>C (NM_001406722.1).
Identifiers: ClinVar variation 3992883 (VCV003992883.1).
Genomic context (GRCh38, chr13:32,379,914, plus strand): 5'-TCTGAAAGAGCTAACATACAGTTAGCAGCGACAAAAAAAACTCAGTATCAACAACTACCG[G>C]TACAAACCTTTCATTGTAATTTTTCAGTTTTGATAAGTGCTTGTTAGTTTATGGAATCTC-3'